The following is an entry in ClinVar:

ClinVar aggregate classification (germline): Uncertain significance (1 of 4 stars; one submission).

Conditions:
Acute myeloid leukemia (AML). Also called: Acute myeloid leukemia, adult; AML adult; Acute non-lymphocytic leukemia; Acute granulocytic leukemia; Leukemia, acute myelogenous, somatic; Leukemia, acute myeloid, somatic. Identifiers: Orphanet 519, MedGen C0023467, MeSH D015470, MONDO:0018874, OMIM 601626, HP:0004808. Disease mechanism: Constitutively activated FLT3.

Submission:

Labcorp Genetics (formerly Invitae), Labcorp
Classification: Uncertain significance for Acute myeloid leukemia. Last evaluated: 2023-08-18. Review status: criteria provided, single submitter. Criteria: Invitae Variant Classification Sherloc (09022015). Collection method: clinical testing. Allele origin: germline.
Comment: In summary, the available evidence is currently insufficient to determine the role of this variant in disease. Therefore, it has been classified as a Variant of Uncertain Significance. An algorithm developed to predict the effect of missense changes on protein structure and function (PolyPhen-2) suggests that this variant is likely to be tolerated. ClinVar contains an entry for this variant (Variation ID: 948082). This variant has not been reported in the literature in individuals affected with CEBPA-related conditions. This variant is not present in population databases (gnomAD no frequency). This sequence change replaces glycine, which is neutral and non-polar, with arginine, which is basic and polar, at codon 255 of the CEBPA protein (p.Gly255Arg).

NM_004364.5(CEBPA):c.763G>A (p.Gly255Arg)

Gene: CEBPA (CCAAT enhancer binding protein alpha; minus strand). Cytogenetic location: 19q13.11.
Variant type: single nucleotide variant.
Coding change: c.763G>A on transcript NM_004364.5 (MANE Select); coding-DNA position 763, G replaced by A.
Protein change: p.Gly255Arg; replaces glycine 255 with arginine.
Molecular consequence: missense variant.
Genome position (GRCh38, 1-based): chr19:33,301,652, C>T on the plus strand (G>A on the coding strand, the complement: CEBPA is on the minus strand). VCF-style: chr19-33301652-C-T. GRCh37 (hg19) VCF-style: chr19-33792558-C-T.
Other names: c.406G>A, p.Gly136Arg (NM_001285829.2); c.868G>A, p.Gly290Arg (NM_001287424.2); c.721G>A, p.Gly241Arg (NM_001287435.2); short protein forms G255R, G136R, G241R, G290R.
Identifiers: ClinVar variation 948082 (VCV000948082.10), dbSNP rs1967170243, ClinGen allele CA405274264.